The following is an entry in ClinVar:

NM_144687.4(NLRP12):c.520C>G (p.Gln174Glu)

Gene: NLRP12 (NLR family pyrin domain containing 12; minus strand). Cytogenetic location: 19q13.42.
Variant type: single nucleotide variant.
Coding change: c.520C>G on transcript NM_144687.4 (MANE Select); coding-DNA position 520, C replaced by G.
Protein change: p.Gln174Glu; replaces glutamine 174 with glutamic acid.
Molecular consequence: missense variant.
Genome position (GRCh38, 1-based): chr19:53,811,139, G>C on the plus strand (C>G on the coding strand, the complement: NLRP12 is on the minus strand). VCF-style: chr19-53811139-G-C. GRCh37 (hg19) VCF-style: chr19-54314393-G-C.
Other names: c.520C>G, p.Gln174Glu (NM_001277126.2, NM_001277129.1); short protein forms Q174E.
Identifiers: ClinVar variation 663559 (VCV000663559.9), dbSNP rs770426590, ClinGen allele CA9639688.

ClinVar aggregate classification (germline): Uncertain significance. Review status: criteria provided, multiple submitters, no conflicts (2 of 4 stars). 2 submissions from 2 submitters: Uncertain significance (2). Last evaluated 2025-10-26.

Conditions:
Familial cold autoinflammatory syndrome 2 (FCAS2). Identifiers: Orphanet 247868, MedGen C2673198, MONDO:0012724, OMIM 611762.

Allele frequency attached by ClinVar (database versions not stated): gnomAD 0.00001 and 0.00002; gnomAD exomes 0.00001 and 0.00002; TOPMed 0.00001; ExAC 0.00002.

Submissions (2):

Labcorp Genetics (formerly Invitae), Labcorp
Classification: Uncertain significance for Familial cold autoinflammatory syndrome 2. Last evaluated: 2025-10-26. Review status: criteria provided, single submitter. Criteria: Invitae Variant Classification Sherloc (09022015). Collection method: clinical testing. Allele origin: germline.
Comment: This sequence change replaces glutamine, which is neutral and polar, with glutamic acid, which is acidic and polar, at codon 174 of the NLRP12 protein (p.Gln174Glu). This variant is present in population databases (rs770426590, gnomAD 0.006%). This variant has not been reported in the literature in individuals affected with NLRP12-related conditions. ClinVar contains an entry for this variant (Variation ID: 663559). An algorithm developed to predict the effect of missense changes on protein structure and function outputs the following: PolyPhen-2: "Benign". The glutamic acid amino acid residue is found in multiple mammalian species, which suggests that this missense change does not adversely affect protein function. In summary, the available evidence is currently insufficient to determine the role of this variant in disease. Therefore, it has been classified as a Variant of Uncertain Significance.

Women's Health and Genetics/Laboratory Corporation of America, LabCorp
Classification: Uncertain significance. Last evaluated: 2025-10-22. Review status: criteria provided, single submitter. Criteria: LabCorp Variant Classification Summary - May 2015. Collection method: clinical testing. Allele origin: germline.
Comment: Variant summary: NLRP12 c.520C>G (p.Gln174Glu) results in a conservative amino acid change in the encoded protein sequence. Algorithms developed to predict the effect of missense changes on protein structure and function all suggest that this variant is likely to be tolerated. The variant allele was found at a frequency of 1.6e-05 in 251420 control chromosomes. The available data on variant occurrences in the general population are insufficient to allow any conclusion about variant significance. To our knowledge, no occurrence of c.520C>G in individuals affected with NLRP12-related conditions and no experimental evidence demonstrating its impact on protein function have been reported. ClinVar contains an entry for this variant (Variation ID: 663559). Based on the evidence outlined above, the variant was classified as uncertain significance.